The following is an entry in ClinVar:

ClinVar aggregate classification (germline): Pathogenic/Likely pathogenic. Review status: criteria provided, multiple submitters, no conflicts (2 of 4 stars). 2 submissions from 2 submitters: Pathogenic (1); Likely pathogenic (1). Last evaluated 2026-05-04.

Conditions:
Polycystic kidney disease 2 (PKD2). Also called: Polycystic Kidney Disease 2, Autosomal Dominant; POLYCYSTIC KIDNEY DISEASE 2 WITH OR WITHOUT POLYCYSTIC LIVER DISEASE; POLYCYSTIC KIDNEY DISEASE, ADULT, TYPE II. Identifiers: MedGen C2751306, MONDO:0013131, OMIM 613095.

Submissions (2):

Victorian Clinical Genetics Services, Murdoch Childrens Research Institute
Classification: Pathogenic for Polycystic kidney disease 2. Last evaluated: 2026-05-04. Review status: criteria provided, single submitter. Criteria: ACMG Guidelines, 2015. Collection method: clinical testing. Allele origin: germline. Affected: yes.
Comment: This variant is classified as Pathogenic. Evidence in support of pathogenic classification: Variant is predicted to cause nonsense-mediated decay (NMD) and loss of protein (premature termination codon is located at least 54 nucleotides upstream of the final exon-exon junction); Variant is absent from gnomAD (v2, v3 and v4); This variant has limited previous evidence of pathogenicity in an unrelated individual. This variant has been classified as likely pathogenic by a clinical laboratory in ClinVar; Other NMD-predicted variants comparable to the one identified in this case have very strong previous evidence for pathogenicity (DECIPHER). Additional information: This variant is heterozygous; This gene is associated with autosomal dominant disease; Loss of function is a known mechanism of disease in this gene and is associated with polycystic kidney disease 2 (MIM#613095); Inheritance information for this variant is not currently available in this individual.

Molecular Genetics of Inherited Kidney Disorders Laboratory, Garvan Institute of Medical Research
Classification: Likely pathogenic. Last evaluated: 2019-01-01. Review status: criteria provided, single submitter. Criteria: ACMG Guidelines, 2015. Collection method: clinical testing. Allele origin: germline. Affected: yes.

NM_000297.4(PKD2):c.1235dup (p.Asn412fs)

Gene: PKD2 (polycystin 2, transient receptor potential cation channel; plus strand). Cytogenetic location: 4q22.1.
Variant type: Duplication.
Coding change: c.1235dup on transcript NM_000297.4 (MANE Select); coding-DNA position 1235, one base duplicated (A; older notation c.1235dupA).
Protein change: p.Asn412fs; shifts the reading frame from asparagine 412.
Molecular consequence: frameshift variant. On other transcripts: non-coding transcript variant (1).
Genome position (GRCh38, 1-based): chr4:88,043,373, A duplicated; the last of 5 consecutive A bases (chr4:88,043,369-88,043,373); duplicating any one gives the same sequence. VCF-style (leftmost placement, unchanged base first): chr4-88043368-G-GA. GRCh37 (hg19) VCF-style: chr4-88964520-G-GA.
Other names: short protein forms N412fs.
Identifiers: ClinVar variation 972844 (VCV000972844.2), dbSNP rs1727650877, ClinGen allele CA1139658176.